The following is an entry in ClinVar:

NM_018699.4(PRDM5):c.1332G>C (p.Lys444Asn)

Gene: PRDM5 (PR/SET domain 5; minus strand). Cytogenetic location: 4q27.
Variant type: single nucleotide variant.
Coding change: c.1332G>C on transcript NM_018699.4 (MANE Select); coding-DNA position 1332, G replaced by C.
Protein change: p.Lys444Asn; replaces lysine 444 with asparagine.
Molecular consequence: missense variant.
Genome position (GRCh38, 1-based): chr4:120,781,254, C>G on the plus strand (G>C on the coding strand, the complement: PRDM5 is on the minus strand). VCF-style: chr4-120781254-C-G. GRCh37 (hg19) VCF-style: chr4-121702409-C-G.
Other names: c.1239G>C, p.Lys413Asn (NM_001300823.2, NM_001300824.2, NM_001379106.1); c.1365G>C, p.Lys455Asn (NM_001379104.1); short protein forms K444N, K413N, K455N.
Identifiers: ClinVar variation 1770183 (VCV001770183.2), dbSNP rs368307888, ClinGen allele CA3061070.
Genomic context (GRCh38, chr4:120,781,254, plus strand): 5'-CTCACACCTATACTTCTTGTGTCTTTCATGAACCACCTGGACATGAACATTTAATGTATC[C>G]TTCCTCTTAAAGGTAGCATCGCAGTGATGGCACTTGAAAGTCCTCTCACCTTAGAAACAA-3'
Protein context (NP_061169.2, residues 434-454): CHHCDATFKR[Lys444Asn]DTLNVHVQVV

ClinVar aggregate classification (germline): Uncertain significance (1 of 4 stars; one submission).

Conditions:
Cardiovascular phenotype. Identifiers: MedGen CN230736.

Allele frequency attached by ClinVar (database versions not stated): ExAC 0.00001; ESP Exome Variant Server 0.00008.

Submission:

Ambry Genetics
Classification: Uncertain significance for Cardiovascular phenotype. Last evaluated: 2021-06-23. Review status: criteria provided, single submitter. Criteria: Ambry Variant Classification Scheme 2023. Collection method: clinical testing. Allele origin: germline.
Comment: The p.K444N variant (also known as c.1332G>C), located in coding exon 12 of the PRDM5 gene, results from a G to C substitution at nucleotide position 1332. The lysine at codon 444 is replaced by asparagine, an amino acid with similar properties. This amino acid position is conserved. In addition, this alteration is predicted to be tolerated by in silico analysis. Since supporting evidence is limited at this time, the clinical significance of this alteration remains unclear.